The following is an entry in ClinVar:

ClinVar aggregate classification (germline): Uncertain significance (1 of 4 stars; one submission).

Allele frequency attached by ClinVar (database versions not stated): gnomAD 0.00001.
gnomAD v4.1: 6 of 1,561,710 alleles (0.00038%); highest among the groups gnomAD compares: Non-Finnish European, 0.00052%; no homozygotes.

Submission:

Labcorp Genetics (formerly Invitae), Labcorp
Classification: Uncertain significance. Last evaluated: 2023-05-16. Review status: criteria provided, single submitter. Criteria: Invitae Variant Classification Sherloc (09022015). Collection method: clinical testing. Allele origin: germline.
Comment: In summary, the available evidence is currently insufficient to determine the role of this variant in disease. Therefore, it has been classified as a Variant of Uncertain Significance. Algorithms developed to predict the effect of missense changes on protein structure and function output the following: SIFT: "Not Available"; PolyPhen-2: "Benign"; Align-GVGD: "Not Available". The alanine amino acid residue is found in multiple mammalian species, which suggests that this missense change does not adversely affect protein function. This variant has not been reported in the literature in individuals affected with IKZF1-related conditions. This variant is present in population databases (no rsID available, gnomAD 0.002%). This sequence change replaces serine, which is neutral and polar, with alanine, which is neutral and non-polar, at codon 361 of the IKZF1 protein (p.Ser361Ala).

NM_006060.6(IKZF1):c.1081T>G (p.Ser361Ala)

Gene: IKZF1 (IKAROS family zinc finger 1; plus strand). Cytogenetic location: 7p12.2.
Variant type: single nucleotide variant.
Coding change: c.1081T>G on transcript NM_006060.6 (MANE Select); coding-DNA position 1081, T replaced by G.
Protein change: p.Ser361Ala; replaces serine 361 with alanine.
Molecular consequence: missense variant.
Genome position (GRCh38, 1-based): chr7:50,400,148, T>G. VCF-style: chr7-50400148-T-G. GRCh37 (hg19) VCF-style: chr7-50467846-T-G.
Other names: c.955T>G, p.Ser319Ala (NM_001220765.3, NM_001291837.2); c.790T>G, p.Ser264Ala (NM_001220767.2); c.820T>G, p.Ser274Ala (NM_001220768.2, NM_001291838.2); c.664T>G, p.Ser222Ala (NM_001220770.2); c.652T>G, p.Ser218Ala (NM_001220771.2, NM_001291841.1); c.694T>G, p.Ser232Ala (NM_001291839.2); c.391T>G, p.Ser131Ala (NM_001291840.1); c.622T>G, p.Ser208Ala (NM_001291842.1); and 3 more; short protein forms S131A, S166A, S274A, S319A, S176A, S218A, S232A, S264A.
Identifiers: ClinVar variation 2785254 (VCV002785254.3), dbSNP rs899157878, ClinGen allele CA158198246.